The following is an entry in ClinVar:

ClinVar aggregate classification (germline): Conflicting classifications of pathogenicity. Review status: criteria provided, conflicting classifications (1 of 4 stars). 2 submissions from 2 submitters: Uncertain significance (1); Likely benign (1). Last evaluated 2024-09-20.

Conditions:
Cardiac anomalies - developmental delay - facial dysmorphism syndrome (MRFACD). Also called: Impaired intellectual development and distinctive facial features with or without cardiac defects; MED13L Syndrome. Identifiers: Orphanet 369891, MedGen C5192431, MONDO:0014773, OMIM 616789.

Submissions (2):

3billion
Classification: Likely benign for Cardiac anomalies - developmental delay - facial dysmorphism syndrome. Last evaluated: 2024-09-20. Review status: criteria provided, single submitter. Criteria: ACMG Guidelines, 2015. Collection method: clinical testing. Allele origin: germline. Affected: no.
Comment: The variant was identified in at least one patient who was diagnosed with a different variant in another gene and showed no symptoms related to the gene containing the variant in question.

Revvity Omics, Revvity
Classification: Uncertain significance for Cardiac anomalies - developmental delay - facial dysmorphism syndrome. Last evaluated: 2021-03-15. Review status: criteria provided, single submitter. Criteria: ACMG Guidelines, 2015. Collection method: clinical testing. Allele origin: germline.

NM_015335.5(MED13L):c.1010G>A (p.Gly337Asp)

Gene: MED13L (mediator complex subunit 13L; minus strand). Cytogenetic location: 12q24.21.
Variant type: single nucleotide variant.
Coding change: c.1010G>A on transcript NM_015335.5 (MANE Select); coding-DNA position 1010, G replaced by A.
Protein change: p.Gly337Asp; replaces glycine 337 with aspartic acid.
Molecular consequence: missense variant.
Genome position (GRCh38, 1-based): chr12:116,015,274, C>T on the plus strand (G>A on the coding strand, the complement: MED13L is on the minus strand). VCF-style: chr12-116015274-C-T. GRCh37 (hg19) VCF-style: chr12-116453079-C-T.
Other names: short protein forms G337D.
Identifiers: ClinVar variation 2433716 (VCV002433716.4), dbSNP rs2499932052, ClinGen allele CA386898806.